The following is an entry in ClinVar:

NM_001267550.2(TTN):c.69144A>G (p.Glu23048=)

Genes: TTN (titin; minus strand), TTN-AS1 (TTN antisense RNA 1; plus strand). Cytogenetic location: 2q31.2.
Variant type: single nucleotide variant.
Coding change: c.69144A>G on transcript NM_001267550.2 (MANE Select); coding-DNA position 69144, A replaced by G.
Protein change: p.Glu23048=; no amino-acid change (glutamic acid 23048 retained).
Molecular consequence: synonymous variant.
Genome position (GRCh38, 1-based): chr2:178,577,191, T>C on the plus strand (A>G on the coding strand, the complement: TTN is on the minus strand). VCF-style: chr2-178577191-T-C. GRCh37 (hg19) VCF-style: chr2-179441918-T-C.
Other names: c.64221A>G, p.Glu21407= (NM_001256850.1); c.41949A>G, p.Glu13983= (NM_003319.4); c.61440A>G, p.Glu20480= (NM_133378.4); c.42324A>G, p.Glu14108= (NM_133432.3); c.42525A>G, p.Glu14175= (NM_133437.4).
Identifiers: ClinVar variation 192207 (VCV000192207.10), dbSNP rs786205342, ClinGen allele CA200085.

ClinVar aggregate classification (germline): Benign/Likely benign. Review status: criteria provided, multiple submitters, no conflicts (2 of 4 stars). 3 submissions from 3 submitters: Benign (1); Likely benign (2). Last evaluated 2023-09-30.

Conditions:
Cardiovascular phenotype. Identifiers: MedGen CN230736.
Dilated cardiomyopathy 1G (CMD1G). Identifiers: Orphanet 154, MedGen C1858763, MONDO:0011400, OMIM 604145.
Autosomal recessive limb-girdle muscular dystrophy type 2J (LGMDR10). Also called: MUSCULAR DYSTROPHY, LIMB-GIRDLE, AUTOSOMAL RECESSIVE 10; Limb-girdle muscular dystrophy, type 2J. Identifiers: Orphanet 140922, MedGen C1837342, MONDO:0012127, OMIM 608807.

Allele frequency attached by ClinVar (database versions not stated): gnomAD exomes below 0.00001.

Submissions (3):

Ambry Genetics
Classification: Likely benign for Cardiovascular phenotype. Last evaluated: 2023-09-30. Review status: criteria provided, single submitter. Criteria: Ambry Variant Classification Scheme 2023. Collection method: clinical testing. Allele origin: germline.

Labcorp Genetics (formerly Invitae), Labcorp
Classification: Likely benign for Dilated cardiomyopathy 1G; Autosomal recessive limb-girdle muscular dystrophy type 2J. Last evaluated: 2021-03-02. Review status: criteria provided, single submitter. Criteria: Invitae Variant Classification Sherloc (09022015). Collection method: clinical testing. Allele origin: germline.

Biesecker Lab/Clinical Genomics Section, National Institutes of Health
Classification: Benign. Last evaluated: 2013-06-24. Review status: criteria provided, single submitter. Criteria: Ng et al. (Circ Cardiovasc Genet. 2013). Collection method: research. Allele origin: unknown. Observed: 12 variant alleles. Study: ClinSeq.
Comment: The study set was not selected for affection status in relation to any cancer. Pathogenicity categories were based on literature curation. See Pubmed ID:23861362 for details.

Medical sequencing